The following is an entry in ClinVar:

NM_002693.3(POLG):c.2963C>T (p.Ala988Val)

Gene: POLG (DNA polymerase gamma, catalytic subunit; minus strand). Cytogenetic location: 15q26.1.
Variant type: single nucleotide variant.
Coding change: c.2963C>T on transcript NM_002693.3 (MANE Select); coding-DNA position 2963, C replaced by T.
Protein change: p.Ala988Val; replaces alanine 988 with valine.
Molecular consequence: missense variant.
Genome position (GRCh38, 1-based): chr15:89,320,784, G>A on the plus strand (C>T on the coding strand, the complement: POLG is on the minus strand). VCF-style: chr15-89320784-G-A. GRCh37 (hg19) VCF-style: chr15-89864015-G-A.
Other names: c.2963C>T, p.Ala988Val (NM_001126131.2); short protein forms A988V.
Identifiers: ClinVar variation 573656 (VCV000573656.7), dbSNP rs1279049508, ClinGen allele CA393752148.

ClinVar aggregate classification (germline): Uncertain significance (1 of 4 stars; one submission).

Conditions:
Progressive sclerosing poliodystrophy (MTDPS4A). Also called: Mitochondrial DNA depletion syndrome 4A (Alpers type); Mitochondrial DNA Depletion Syndrome 4A; Alpers Syndrome; ALPERS DIFFUSE DEGENERATION OF CEREBRAL GRAY MATTER WITH HEPATIC CIRRHOSIS; Alpers-Huttenlocher Syndrome; ALPERS PROGRESSIVE INFANTILE POLIODYSTROPHY. Identifiers: Orphanet 726, MedGen C0205710, MONDO:0008758, OMIM 203700.

Allele frequency attached by ClinVar (database versions not stated): gnomAD exomes below 0.00001; TOPMed 0.00001.

Submission:

Labcorp Genetics (formerly Invitae), Labcorp
Classification: Uncertain significance for Progressive sclerosing poliodystrophy. Last evaluated: 2021-08-06. Review status: criteria provided, single submitter. Criteria: Invitae Variant Classification Sherloc (09022015). Collection method: clinical testing. Allele origin: germline.
Comment: This sequence change replaces alanine with valine at codon 988 of the POLG protein (p.Ala988Val). The alanine residue is weakly conserved and there is a small physicochemical difference between alanine and valine. This variant is not present in population databases (ExAC no frequency). This variant has not been reported in the literature in individuals with POLG-related disease. Algorithms developed to predict the effect of missense changes on protein structure and function output the following: SIFT: "Tolerated"; PolyPhen-2: "Benign"; Align-GVGD: "Class C0". The valine amino acid residue is found in multiple mammalian species, suggesting that this missense change does not adversely affect protein function. These predictions have not been confirmed by published functional studies and their clinical significance is uncertain. In summary, the available evidence is currently insufficient to determine the role of this variant in disease. Therefore, it has been classified as a Variant of Uncertain Significance.